The following is an entry in ClinVar:

ClinVar aggregate classification (germline): Uncertain significance (1 of 4 stars; one submission).

Conditions:
Mitochondrial complex II deficiency, nuclear type 1. Also called: SUCCINATE CoQ REDUCTASE DEFICIENCY. Identifiers: Orphanet 3208, MedGen C5700310, MONDO:0100294, OMIM 252011.
Pheochromocytoma/paraganglioma syndrome 5. Also called: Paragangliomas 5; SDHA-Related Hereditary Paraganglioma-Pheochromocytoma Syndrome. Identifiers: Orphanet 29072, MedGen C3279992, MONDO:0013602, OMIM 614165.

Submission:

Labcorp Genetics (formerly Invitae), Labcorp
Classification: Uncertain significance for Pheochromocytoma/paraganglioma syndrome 5; Mitochondrial complex II deficiency, nuclear type 1. Last evaluated: 2025-03-05. Review status: criteria provided, single submitter. Criteria: Invitae Variant Classification Sherloc (09022015). Collection method: clinical testing. Allele origin: germline.
Comment: This sequence change replaces aspartic acid, which is acidic and polar, with valine, which is neutral and non-polar, at codon 653 of the SDHA protein (p.Asp653Val). This variant is not present in population databases (gnomAD no frequency). This variant has not been reported in the literature in individuals affected with SDHA-related conditions. ClinVar contains an entry for this variant (Variation ID: 954539). Invitae Evidence Modeling of protein sequence and biophysical properties (such as structural, functional, and spatial information, amino acid conservation, physicochemical variation, residue mobility, and thermodynamic stability) indicates that this missense variant is not expected to disrupt SDHA protein function with a negative predictive value of 95%. In summary, the available evidence is currently insufficient to determine the role of this variant in disease. Therefore, it has been classified as a Variant of Uncertain Significance.

NM_004168.4(SDHA):c.1958A>T (p.Asp653Val)

Gene: SDHA (succinate dehydrogenase complex flavoprotein subunit A; plus strand). Cytogenetic location: 5p15.33.
Variant type: single nucleotide variant.
Coding change: c.1958A>T on transcript NM_004168.4 (MANE Select); coding-DNA position 1958, A replaced by T.
Protein change: p.Asp653Val; replaces aspartic acid 653 with valine.
Molecular consequence: missense variant.
Genome position (GRCh38, 1-based): chr5:256,383, A>T. VCF-style: chr5-256383-A-T. GRCh37 (hg19) VCF-style: chr5-256498-A-T.
Other names: c.1814A>T, p.Asp605Val (NM_001294332.2); c.1715A>T, p.Asp572Val (NM_001330758.2); short protein forms D605V, D653V, D572V.
Identifiers: ClinVar variation 954539 (VCV000954539.10), dbSNP rs1737190360, ClinGen allele CA359002976.
Genomic context (GRCh38, chr5:256,383, plus strand): 5'-TTCTTTTCAAGGTCACTCTGGAATATAGACCCGTGATCGACAAAACTTTGAACGAGGCTG[A>T]CTGTGCCACCGTCCCGCCAGCCATTCGCTCCTACTGATGAGACAAGATGTGGTGATGACA-3'
Protein context (NP_004159.2, residues 643-663): PVIDKTLNEA[Asp653Val]CATVPPAIRS